The following is an entry in ClinVar:

NM_001391906.1(EIF4G3):c.937G>A (p.Val313Ile)

Gene: EIF4G3 (eukaryotic translation initiation factor 4 gamma 3; minus strand). Cytogenetic location: 1p36.12.
Variant type: single nucleotide variant.
Coding change: c.937G>A on transcript NM_001391906.1 (MANE Select); coding-DNA position 937, G replaced by A.
Protein change: p.Val313Ile; replaces valine 313 with isoleucine.
Molecular consequence: missense variant.
Genome position (GRCh38, 1-based): chr1:20,942,217, C>T on the plus strand (G>A on the coding strand, the complement: EIF4G3 is on the minus strand). VCF-style: chr1-20942217-C-T. GRCh37 (hg19) VCF-style: chr1-21268710-C-T.
Other names: c.802G>A, p.Val268Ile (NM_001198803.2, NM_001391898.1); c.769G>A, p.Val257Ile (NM_001391892.1, NM_001391893.1, NM_001391894.1 and 3 more transcripts); c.766G>A, p.Val256Ile (NM_001391896.1, NM_001391899.1, NM_001391900.1 and 1 more transcripts); c.622G>A, p.Val208Ile (NM_001391897.1); c.790G>A, p.Val264Ile (NM_001391901.1); c.880G>A, p.Val294Ile (NM_001391902.1, NM_001391903.1); c.913G>A, p.Val305Ile (NM_001391905.1); c.916G>A, p.Val306Ile (NM_001391907.1); and 1 more; short protein forms V208I, V256I, V257I, V263I, V264I, V268I, V294I, V305I.
Identifiers: ClinVar variation 2638443 (VCV002638443.24), dbSNP rs1062981, ClinGen allele CA664482.

ClinVar aggregate classification (germline): Likely benign (1 of 4 stars; one submission).

Allele frequency attached by ClinVar (database versions not stated): TOPMed 0.00225; 1000 Genomes Project 30x 0.00250; 1000 Genomes Project 0.00260; ESP Exome Variant Server 0.00300; gnomAD 0.00321; gnomAD exomes 0.00422; ExAC 0.00451.

Submission:

CeGaT Center for Human Genetics Tuebingen
Classification: Likely benign. Last evaluated: 2023-01-01. Review status: criteria provided, single submitter. Criteria: CeGaT Center For Human Genetics Tuebingen Variant Classification Criteria Version 2. Collection method: clinical testing. Allele origin: germline. Affected: yes. Observed: 1 variant allele.
Comment: EIF4G3: BP4, BS2